The following is an entry in ClinVar:

ClinVar aggregate classification (germline): Uncertain significance (1 of 4 stars; one submission).

Conditions:
Inborn genetic diseases. Identifiers: MedGen C0950123, MeSH D030342.

Allele frequency attached by ClinVar (database versions not stated): gnomAD exomes below 0.00001.
gnomAD v4.1: 3 of 1,613,878 alleles (0.00019%); highest among the groups gnomAD compares: Non-Finnish European, 0.00017%; no homozygotes.

Submission:

Ambry Genetics
Classification: Uncertain significance for Inborn genetic diseases. Last evaluated: 2023-12-25. Review status: criteria provided, single submitter. Criteria: Ambry Variant Classification Scheme 2023. Collection method: clinical testing. Allele origin: germline.
Comment: The p.T533I variant (also known as c.1598C>T), located in coding exon 7 of the ATR gene, results from a C to T substitution at nucleotide position 1598. The threonine at codon 533 is replaced by isoleucine, an amino acid with similar properties. This amino acid position is conserved. In addition, this alteration is predicted to be tolerated by in silico analysis. Since supporting evidence is limited at this time, the clinical significance of this alteration remains unclear.

NM_001184.4(ATR):c.1598C>T (p.Thr533Ile)

Gene: ATR (ATR checkpoint kinase; minus strand). Cytogenetic location: 3q23.
Variant type: single nucleotide variant.
Coding change: c.1598C>T on transcript NM_001184.4 (MANE Select); coding-DNA position 1598, C replaced by T.
Protein change: p.Thr533Ile; replaces threonine 533 with isoleucine.
Molecular consequence: missense variant.
Genome position (GRCh38, 1-based): chr3:142,559,385, G>A on the plus strand (C>T on the coding strand, the complement: ATR is on the minus strand). VCF-style: chr3-142559385-G-A. GRCh37 (hg19) VCF-style: chr3-142278227-G-A.
Other names: c.1406C>T, p.Thr469Ile (NM_001354579.2); short protein forms T533I, T469I.
Identifiers: ClinVar variation 1776040 (VCV001776040.2), dbSNP rs2108480245, ClinGen allele CA354822365.
Genomic context (GRCh38, chr3:142,559,385, plus strand): 5'-GATTCTAACAAACTTCTACAGCTCTTAAGCACTTTTGTGTAAAAATCCAATGACATCCAA[G>A]TTATCACTACAGAAGGTTTCTTCTTGGATTTATGTTGACAGTCCTTGAAAGTACGGCTGC-3'
Protein context (NP_001175.2, residues 523-543): KSKKKPSVVI[Thr533Ile]WMSLDFYTKV